The following is an entry in ClinVar:

ClinVar aggregate classification (germline): Benign. Review status: reviewed by expert panel (3 of 4 stars). 5 submissions from 5 submitters: Benign (1). 4 of the submissions do not count toward it. Last evaluated 2025-09-30.

Conditions:
Autosomal recessive limb-girdle muscular dystrophy. Identifiers: Orphanet 102015, MedGen C2931907, MONDO:0015152.
Neuromuscular disease caused by qualitative or quantitative defects of dysferlin. Also called: Qualitative or quantitative defects of dysferlin; Dysferlinopathy. Identifiers: Orphanet 207073, MedGen C2931687, MONDO:0016145.
Autosomal recessive limb-girdle muscular dystrophy type 2B (LGMDR2). Also called: MUSCULAR DYSTROPHY, LIMB-GIRDLE, AUTOSOMAL RECESSIVE 2; MUSCULAR DYSTROPHY, LIMB-GIRDLE, TYPE 3; Limb-Girdle Muscular Dystrophy Type 2B (LGMD2B); Limb-girdle muscular dystrophy, type 2B. Identifiers: Orphanet 268, MedGen C1850889, MONDO:0009676, OMIM 253601.

Allele frequency attached by ClinVar (database versions not stated): gnomAD 0.00011 and 0.00013; TOPMed 0.00025; 1000 Genomes Project 30x 0.00047; 1000 Genomes Project 0.00060.
gnomAD v4.1: 311 of 1,613,752 alleles (0.019%); highest among the groups gnomAD compares: East Asian, 0.48%; no homozygotes.

Submissions (5):

ClinGen Limb Girdle Muscular Dystrophy Variant Curation Expert Panel, ClinGen
Classification: Benign for Autosomal recessive limb-girdle muscular dystrophy. Last evaluated: 2025-09-30. Review status: reviewed by expert panel. Criteria: ClinGen LGMD VCEP ACMG Specifications DYSF V2.0.0. Collection method: curation. Allele origin: germline. Inheritance: Autosomal recessive inheritance.
Comment: The NM_003494.4: c.5767+6C>T variant in DYSF, which is also known as NM_001130987.2: c.5884+6C>T, occurs within the splice donor motif of exon 51. The Grpmax FAF of this variant is 0.004287 in gnomAD v4.1.0 (the lower threshold of the 95% CI of 216/44886 East Asian alleles), which is greater than the ClinGen LGMD VCEP threshold for BA1 (>0.003), meeting this criterion (BA1). This variant is not predicted to affect splicing (SpliceAI score 0.01) (BP4), and in a mini-gene assay, no effect of this variant on splicing was observed (PMID: 25312915; BP7_Strong_RNA). This variant has been reported with a second DYSF variant in at least two patients with a phenotype consistent with LGMD, but it was not considered a diagnostic finding in either case (PMID: 25591676, 34559919). In summary, this variant meets the criteria to be classified as Benign for autosomal recessive limb girdle muscular dystrophy based on the ACMG/AMP criteria applied, as specified by the ClinGen LGMD VCEP (LGMD VCEP specifications version 2.0.0; 09/30/2025): BA1, BP4, BP7_Strong_RNA.

Labcorp Genetics (formerly Invitae), Labcorp
Classification: Likely benign for Neuromuscular disease caused by qualitative or quantitative defects of dysferlin. Last evaluated: 2026-01-20. Review status: criteria provided, single submitter. Criteria: Invitae Variant Classification Sherloc (09022015). Collection method: clinical testing. Allele origin: germline. Not counted in ClinVar's aggregate classification.

GeneDx
Classification: Likely benign. Last evaluated: 2019-08-19. Review status: criteria provided, single submitter. Criteria: GeneDx Variant Classification Process June 2021. Collection method: clinical testing. Allele origin: germline. Affected: yes. Not counted in ClinVar's aggregate classification.
Comment: This variant is associated with the following publications: (PMID: 25312915, 25591676)

Illumina Laboratory Services, Illumina
Classification: Uncertain significance for Qualitative or quantitative defects of dysferlin. Last evaluated: 2017-08-05. Review status: criteria provided, single submitter. Criteria: ICSL Variant Classification Criteria 13 December 2019. Collection method: clinical testing. Allele origin: germline. Not counted in ClinVar's aggregate classification.
Comment: This variant was observed as part of a predisposition screen in an ostensibly healthy population. A literature search was performed for the gene, cDNA change, and amino acid change (where applicable). Publications were found based on this search. However, the evidence from the literature, in combination with allele frequency data from public databases where available, was not sufficient to rule this variant in or out of causing disease. Therefore, this variant is classified as a variant of unknown significance.

Natera, Inc.
Classification: Likely benign for Limb-girdle muscular dystrophy type 2B. Last evaluated: 2020-07-29. Review status: no assertion criteria provided. Collection method: clinical testing. Allele origin: germline. Not counted in ClinVar's aggregate classification.

Literature cited by the submitters: PubMed 25591676 (cited by Illumina Laboratory Services, Illumina); PubMed 25312915 (cited by Illumina Laboratory Services, Illumina).

NM_001130987.2(DYSF):c.5884+6C>T

Gene: DYSF (dysferlin; plus strand). Cytogenetic location: 2p13.2.
Variant type: single nucleotide variant.
Coding change: c.5884+6C>T on transcript NM_001130987.2 (MANE Select); 6 bases into the intron after coding-DNA position 5884, C replaced by T.
Molecular consequence: intron variant.
Genome position (GRCh38, 1-based): chr2:71,674,302, C>T. VCF-style: chr2-71674302-C-T. GRCh37 (hg19) VCF-style: chr2-71901432-C-T.
Other names: c.5860+6C>T (NM_001130979.2); c.5881+6C>T (NM_001130981.2); c.5818+6C>T (NM_001130980.2); c.5830+6C>T (NM_001130978.2); c.5767+6C>T (NM_003494.4); c.5788+6C>T (NM_001130977.2); c.5725+6C>T (NM_001130976.2); c.5863+6C>T (NM_001130982.2); and 5 more.
Identifiers: ClinVar variation 704394 (VCV000704394.20), dbSNP rs144355449, ClinGen allele CA1707525.
Genomic context (GRCh38, chr2:71,674,302, plus strand): 5'-CGAGTGGTGTTCCAGATCTGGGACAATGACAAGTTCTCCTTTGATGATTTTCTGGGTAAG[C>T]GCTATTGCTAGAATCCCATTCTGCACATGGGGGCTGCCCCAGAACCCACACTGTGTGTTT-3'